The following is an entry in ClinVar:

NM_005732.4(RAD50):c.3458G>C (p.Ser1153Thr)

Genes: TH2-LCR (Th2 cytokine locus control region; plus strand), TH2LCRR (T helper type 2 locus control region associated RNA; minus strand), RAD50 (RAD50 double strand break repair protein; plus strand). Cytogenetic location: 5q31.1.
Variant type: single nucleotide variant.
Coding change: c.3458G>C on transcript NM_005732.4 (MANE Select); coding-DNA position 3458, G replaced by C.
Protein change: p.Ser1153Thr; replaces serine 1153 with threonine.
Molecular consequence: missense variant.
Genome position (GRCh38, 1-based): chr5:132,637,183, G>C. VCF-style: chr5-132637183-G-C. GRCh37 (hg19) VCF-style: chr5-131972875-G-C.
Other names: short protein forms S1153T.
Identifiers: ClinVar variation 3312302 (VCV003312302.1).

ClinVar aggregate classification (germline): Uncertain significance (1 of 4 stars; one submission).

Conditions:
Hereditary cancer-predisposing syndrome. Also called: Neoplastic Syndromes, Hereditary; Tumor predisposition; Hereditary neoplastic syndrome; Hereditary Cancer Syndrome. Identifiers: Orphanet 140162, MedGen C0027672, MeSH D009386, MONDO:0015356.

Submission:

Ambry Genetics
Classification: Uncertain significance for Hereditary cancer-predisposing syndrome. Last evaluated: 2024-03-21. Review status: criteria provided, single submitter. Criteria: Ambry Variant Classification Scheme 2023. Collection method: clinical testing. Allele origin: germline.
Comment: The p.S1153T variant (also known as c.3458G>C), located in coding exon 22 of the RAD50 gene, results from a G to C substitution at nucleotide position 3458. The serine at codon 1153 is replaced by threonine, an amino acid with similar properties. This amino acid position is conserved. In addition, this alteration is predicted to be tolerated by in silico analysis. Based on the available evidence, the clinical significance of this alteration remains unclear.